The following is an entry in ClinVar:

NM_173477.5(USH1G):c.265G>T (p.Ala89Ser)

Gene: USH1G (USH1 protein network component sans; minus strand). Cytogenetic location: 17q25.1.
Variant type: single nucleotide variant.
Coding change: c.265G>T on transcript NM_173477.5 (MANE Select); coding-DNA position 265, G replaced by T.
Protein change: p.Ala89Ser; replaces alanine 89 with serine.
Molecular consequence: missense variant. On other transcripts: 5 prime UTR variant (1).
Genome position (GRCh38, 1-based): chr17:74,920,571, C>A on the plus strand (G>T on the coding strand, the complement: USH1G is on the minus strand). VCF-style: chr17-74920571-C-A. GRCh37 (hg19) VCF-style: chr17-72916666-C-A.
Other names: c.-45G>T (NM_001282489.3); short protein forms A89S.
Identifiers: ClinVar variation 1056892 (VCV001056892.7), dbSNP rs1221545953, ClinGen allele CA400966304.
Genomic context (GRCh38, chr17:74,920,571, plus strand): 5'-CCTTCATGGCAGCCATGTCCAGCGGCGTGTGGTAGTCGTTGTCTAGGCACCAGATGTTGG[C>A]TCCGAAGGACACCAGGAAGGACAGGCAGTGCAAGTGGCCATTGGAAGCTGCCAGATGCAG-3'
Protein context (NP_775748.2, residues 79-99): HCLSFLVSFG[Ala89Ser]NIWCLDNDYH

ClinVar aggregate classification (germline): Uncertain significance (1 of 4 stars; one submission).

Submission:

Labcorp Genetics (formerly Invitae), Labcorp
Classification: Uncertain significance. Last evaluated: 2025-09-08. Review status: criteria provided, single submitter. Criteria: Invitae Variant Classification Sherloc (09022015). Collection method: clinical testing. Allele origin: germline.
Comment: This sequence change replaces alanine, which is neutral and non-polar, with serine, which is neutral and polar, at codon 89 of the USH1G protein (p.Ala89Ser). This variant is not present in population databases (gnomAD no frequency). This variant has not been reported in the literature in individuals affected with USH1G-related conditions. ClinVar contains an entry for this variant (Variation ID: 1056892). Invitae Evidence Modeling of protein sequence and biophysical properties (such as structural, functional, and spatial information, amino acid conservation, physicochemical variation, residue mobility, and thermodynamic stability) indicates that this missense variant is expected to disrupt USH1G protein function with a positive predictive value of 80%. In summary, the available evidence is currently insufficient to determine the role of this variant in disease. Therefore, it has been classified as a Variant of Uncertain Significance.